The following is an entry in ClinVar:

ClinVar aggregate classification (germline): Uncertain significance. Review status: criteria provided, multiple submitters, no conflicts (2 of 4 stars). 2 submissions from 2 submitters: Uncertain significance (2). Last evaluated 2026-07-06.

Conditions:
Hereditary cancer-predisposing syndrome. Also called: Neoplastic Syndromes, Hereditary; Hereditary neoplastic syndrome; Hereditary Cancer Syndrome; Tumor predisposition. Identifiers: Orphanet 140162, MedGen C0027672, MeSH D009386, MONDO:0015356.

Submissions (2):

Ambry Genetics
Classification: Uncertain significance for Hereditary cancer-predisposing syndrome. Last evaluated: 2026-07-06. Review status: criteria provided, single submitter. Criteria: Ambry Variant Classification Scheme 2023. Collection method: clinical testing. Allele origin: germline.
Comment: The p.G792A variant (also known as c.2375G>C), located in coding exon 13 of the RET gene, results from a G to C substitution at nucleotide position 2375. The glycine at codon 792 is replaced by alanine, an amino acid with similar properties. This amino acid position is conserved. In addition, this alteration is predicted to be deleterious by in silico analysis. Based on the available evidence, the clinical significance of this variant remains unclear.

GeneDx
Classification: Uncertain significance. Last evaluated: 2023-03-15. Review status: criteria provided, single submitter. Criteria: GeneDx Variant Classification Process June 2021. Collection method: clinical testing. Allele origin: germline. Affected: yes.
Comment: Not observed at significant frequency in large population cohorts (gnomAD); In silico analysis supports that this missense variant has a deleterious effect on protein structure/function; Has not been previously published as pathogenic or benign to our knowledge; This variant is associated with the following publications: (PMID: 14633923)

NM_020975.6(RET):c.2375G>C (p.Gly792Ala)

Gene: RET (ret proto-oncogene; plus strand). Cytogenetic location: 10q11.21.
Variant type: single nucleotide variant.
Coding change: c.2375G>C on transcript NM_020975.6 (MANE Select); coding-DNA position 2375, G replaced by C.
Protein change: p.Gly792Ala; replaces glycine 792 with alanine.
Molecular consequence: missense variant.
Genome position (GRCh38, 1-based): chr10:43,118,463, G>C. VCF-style: chr10-43118463-G-C. GRCh37 (hg19) VCF-style: chr10-43613911-G-C.
Other names: c.2375G>C, p.Gly792Ala (NM_000323.2, NM_001406743.1, NM_001406744.1 and 4 more transcripts); c.1613G>C, p.Gly538Ala (NM_001355216.2); c.2087G>C, p.Gly696Ala (NM_001406770.1, NM_001406766.1, NM_001406767.1); c.1937G>C, p.Gly646Ala (NM_001406771.1, NM_001406773.1); c.1979G>C, p.Gly660Ala (NM_001406772.1, NM_001406769.1); c.1850G>C, p.Gly617Ala (NM_001406774.1); c.1649G>C, p.Gly550Ala (NM_001406775.1, NM_001406776.1, NM_001406777.1 and 1 more transcripts); c.1190G>C, p.Gly397Ala (NM_001406789.1, NM_001406790.1, NM_001406788.1); and 10 more; short protein forms G792A, G538A, G357A, G397A, G448A, G453A, G696A, G747A.
Identifiers: ClinVar variation 450909 (VCV000450909.6), dbSNP rs1554819409, ClinGen allele CA376555883.
Genomic context (GRCh38, chr10:43,118,463, plus strand): 5'-TGCTGTCAGAGTTCAACGTCCTGAAGCAGGTCAACCACCCACATGTCATCAAATTGTATG[G>C]GGCCTGCAGCCAGGATGGTAAGGCCAGCTGCAGGGTGAGGTGGGCAGCCACTGCACCCAG-3'
Protein context (NP_066124.1, residues 782-802): VNHPHVIKLY[Gly792Ala]ACSQDGPLLL